The following is an entry in ClinVar:

ClinVar aggregate classification (germline): Uncertain significance (1 of 4 stars; one submission).

Submission:

GeneDx
Classification: Uncertain significance. Last evaluated: 2023-10-23. Review status: criteria provided, single submitter. Criteria: GeneDx Variant Classification Process June 2021. Collection method: clinical testing. Allele origin: germline. Affected: yes.
Comment: Not observed at significant frequency in large population cohorts (gnomAD); In silico analysis supports that this missense variant does not alter protein structure/function; Has not been previously published as pathogenic or benign to our knowledge

NM_006565.4(CTCF):c.554C>A (p.Pro185His)

Gene: CTCF (CCCTC-binding factor; plus strand). Cytogenetic location: 16q22.1.
Variant type: single nucleotide variant.
Coding change: c.554C>A on transcript NM_006565.4 (MANE Select); coding-DNA position 554, C replaced by A.
Protein change: p.Pro185His; replaces proline 185 with histidine.
Molecular consequence: missense variant. On other transcripts: intron variant (1).
Genome position (GRCh38, 1-based): chr16:67,611,386, C>A. VCF-style: chr16-67611386-C-A. GRCh37 (hg19) VCF-style: chr16-67645289-C-A.
Other names: c.554C>A, p.Pro185His (NM_001363916.2); c.-32-5359C>A (NM_001191022.2); short protein forms P185H.
Identifiers: ClinVar variation 3363311 (VCV003363311.1).